The following is an entry in ClinVar:

NM_001042492.3(NF1):c.7554del (p.Arg2519fs)

Gene: NF1 (neurofibromin 1; plus strand). Cytogenetic location: 17q11.2.
Variant type: Deletion.
Coding change: c.7554del on transcript NM_001042492.3 (MANE Select); coding-DNA position 7554, one base deleted (C; older notation c.7554delC).
Protein change: p.Arg2519fs; shifts the reading frame from arginine 2519.
Molecular consequence: frameshift variant.
Genome position (GRCh38, 1-based): chr17:31,352,353, C deleted; the last of 2 consecutive C bases (chr17:31,352,352-31,352,353); deleting either gives the same sequence. VCF-style (leftmost placement, unchanged base first): chr17-31352351-GC-G. GRCh37 (hg19) VCF-style: chr17-29679369-GC-G.
Other names: c.7491delC, p.Arg2498Glyfs (NM_000267.4); short protein forms R2498fs, R2519fs.
Identifiers: ClinVar variation 2040277 (VCV002040277.4), dbSNP rs2508811911, ClinGen allele CA2580093419.

ClinVar aggregate classification (germline): Pathogenic (1 of 4 stars; one submission).

Conditions:
Neurofibromatosis, type 1 (NF1). Also called: Neurofibromatosis, type I; NEUROFIBROMATOSIS, TYPE I, SOMATIC; Peripheral type neurofibromatosis; VON RECKLINGHAUSEN DISEASE. Identifiers: Orphanet 636, MedGen C0027831, MONDO:0018975, OMIM 162200. Disease mechanism: loss of function.

Submission:

Labcorp Genetics (formerly Invitae), Labcorp
Classification: Pathogenic for Neurofibromatosis, type 1. Last evaluated: 2021-12-12. Review status: criteria provided, single submitter. Criteria: Invitae Variant Classification Sherloc (09022015). Collection method: clinical testing. Allele origin: germline.
Comment: This sequence change creates a premature translational stop signal (p.Arg2498Glyfs*4) in the NF1 gene. It is expected to result in an absent or disrupted protein product. Loss-of-function variants in NF1 are known to be pathogenic (PMID: 10712197, 23913538). This variant is not present in population databases (gnomAD no frequency). This variant has not been reported in the literature in individuals affected with NF1-related conditions. For these reasons, this variant has been classified as Pathogenic.

Literature cited by the submitters: PubMed 10712197; PubMed 23913538.